The following is an entry in ClinVar:

NM_024915.4(GRHL2):c.505G>T (p.Ala169Ser)

Gene: GRHL2 (grainyhead like transcription factor 2; plus strand). Cytogenetic location: 8q22.3.
Variant type: single nucleotide variant.
Coding change: c.505G>T on transcript NM_024915.4 (MANE Select); coding-DNA position 505, G replaced by T.
Protein change: p.Ala169Ser; replaces alanine 169 with serine.
Molecular consequence: missense variant.
Genome position (GRCh38, 1-based): chr8:101,558,639, G>T. VCF-style: chr8-101558639-G-T. GRCh37 (hg19) VCF-style: chr8-102570867-G-T.
Other names: c.457G>T, p.Ala153Ser (NM_001330593.2, NM_001440448.1); c.505G>T, p.Ala169Ser (NM_001440447.1); short protein forms A153S, A169S.
Identifiers: ClinVar variation 4740786 (VCV004740786.1).
Genomic context (GRCh38, chr8:101,558,639, plus strand): 5'-ATCATCCCGGTGTCGGGAATCACGGTGGTGAAAGCTGAAGATTTCACACCAGTTTTCATG[G>T]CCCCACCTGTGCACTATCCCCGGGGAGATGGGGAAGAGCAACGAGTGGTTATCTTTGAAC-3'
Protein context (NP_079191.2, residues 159-179): KAEDFTPVFM[Ala169Ser]PPVHYPRGDG

ClinVar aggregate classification (germline): Uncertain significance (1 of 4 stars; one submission).

Submission:

Labcorp Genetics (formerly Invitae), Labcorp
Classification: Uncertain significance. Last evaluated: 2025-11-13. Review status: criteria provided, single submitter. Criteria: Invitae Variant Classification Sherloc (09022015). Collection method: clinical testing. Allele origin: germline.
Comment: This sequence change replaces alanine, which is neutral and non-polar, with serine, which is neutral and polar, at codon 169 of the GRHL2 protein (p.Ala169Ser). This variant is not present in population databases (gnomAD no frequency). This variant has not been reported in the literature in individuals affected with GRHL2-related conditions. Invitae Evidence Modeling of protein sequence and biophysical properties (such as structural, functional, and spatial information, amino acid conservation, physicochemical variation, residue mobility, and thermodynamic stability) indicates that this missense variant is not expected to disrupt GRHL2 protein function with a negative predictive value of 80%. In summary, the available evidence is currently insufficient to determine the role of this variant in disease. Therefore, it has been classified as a Variant of Uncertain Significance.